The following is an entry in ClinVar:

NM_002796.3(PSMB4):c.772C>T (p.His258Tyr)

Gene: PSMB4 (proteasome 20S subunit beta 4; plus strand). Cytogenetic location: 1q21.3.
Variant type: single nucleotide variant.
Coding change: c.772C>T on transcript NM_002796.3 (MANE Select); coding-DNA position 772, C replaced by T.
Protein change: p.His258Tyr; replaces histidine 258 with tyrosine.
Molecular consequence: missense variant.
Genome position (GRCh38, 1-based): chr1:151,401,620, C>T. VCF-style: chr1-151401620-C-T. GRCh37 (hg19) VCF-style: chr1-151374096-C-T.
Other names: c.772C>T (NM_002796.2); short protein forms H258Y.
Identifiers: ClinVar variation 2995448 (VCV002995448.4), dbSNP rs992948004, ClinGen allele CA29564592.

ClinVar aggregate classification (germline): Uncertain significance. Review status: criteria provided, multiple submitters, no conflicts (2 of 4 stars). 2 submissions from 2 submitters: Uncertain significance (2). Last evaluated 2025-08-31.

gnomAD v4.1: 4 of 1,606,830 alleles (0.00025%); highest among the groups gnomAD compares: Admixed American, 0.005%; no homozygotes.

Submissions (2):

Ambry Genetics
Classification: Uncertain significance. Last evaluated: 2025-08-31. Review status: criteria provided, single submitter. Criteria: Ambry Variant Classification Scheme 2023. Collection method: clinical testing. Allele origin: germline.

Labcorp Genetics (formerly Invitae), Labcorp
Classification: Uncertain significance. Last evaluated: 2024-05-22. Review status: criteria provided, single submitter. Criteria: Invitae Variant Classification Sherloc (09022015). Collection method: clinical testing. Allele origin: germline.
Comment: This sequence change replaces histidine, which is basic and polar, with tyrosine, which is neutral and polar, at codon 258 of the PSMB4 protein (p.His258Tyr). This variant is present in population databases (no rsID available, gnomAD 0.003%). This variant has not been reported in the literature in individuals affected with PSMB4-related conditions. An algorithm developed to predict the effect of missense changes on protein structure and function (PolyPhen-2) suggests that this variant is likely to be tolerated. In summary, the available evidence is currently insufficient to determine the role of this variant in disease. Therefore, it has been classified as a Variant of Uncertain Significance.